The following is an entry in ClinVar:

NM_017617.5(NOTCH1):c.1364A>C (p.Glu455Ala)

Gene: NOTCH1 (notch receptor 1; minus strand). Cytogenetic location: 9q34.3.
Variant type: single nucleotide variant.
Coding change: c.1364A>C on transcript NM_017617.5 (MANE Select); coding-DNA position 1364, A replaced by C.
Protein change: p.Glu455Ala; replaces glutamic acid 455 with alanine.
Molecular consequence: missense variant.
Genome position (GRCh38, 1-based): chr9:136,517,829, T>G on the plus strand (A>C on the coding strand, the complement: NOTCH1 is on the minus strand). VCF-style: chr9-136517829-T-G. GRCh37 (hg19) VCF-style: chr9-139412281-T-G.
Other names: short protein forms E455A.
Identifiers: ClinVar variation 2446244 (VCV002446244.1), dbSNP rs2133368584, ClinGen allele CA375563067.

ClinVar aggregate classification (germline): Uncertain significance (1 of 4 stars; one submission).

Submission:

GeneDx
Classification: Uncertain significance. Last evaluated: 2022-09-22. Review status: criteria provided, single submitter. Criteria: GeneDx Variant Classification Process June 2021. Collection method: clinical testing. Allele origin: germline. Affected: yes.
Comment: Not observed at significant frequency in large population cohorts (gnomAD); In silico analysis supports that this missense variant has a deleterious effect on protein structure/function; Has not been previously published as pathogenic or benign to our knowledge